The following is an entry in ClinVar:

ClinVar aggregate classification (germline): Likely benign. Review status: criteria provided, multiple submitters, no conflicts (2 of 4 stars). 4 submissions from 4 submitters: Likely benign (4). Last evaluated 2024-11-20.

Allele frequency attached by ClinVar (database versions not stated): 1000 Genomes Project 30x 0.00016; 1000 Genomes Project 0.00020; gnomAD 0.00052 and 0.00058; TOPMed 0.00076; ESP Exome Variant Server 0.00089; ExAC 0.00090; gnomAD exomes 0.00093.
gnomAD v4.1: 1,399 of 1,614,086 alleles (0.087%); highest among the groups gnomAD compares: East Asian, 0.39%; no homozygotes.

Submissions (4):

Blueprint Genetics
Classification: Likely benign. Last evaluated: 2024-11-20. Review status: criteria provided, single submitter. Criteria: ACMG Guidelines, 2015. Collection method: clinical testing. Allele origin: germline.

CeGaT Center for Human Genetics Tuebingen
Classification: Likely benign. Last evaluated: 2022-06-01. Review status: criteria provided, single submitter. Criteria: CeGaT Center For Human Genetics Tuebingen Variant Classification Criteria Version 2. Collection method: clinical testing. Allele origin: germline. Affected: yes. Observed: 2 variant alleles.
Comment: RUBCN: BP4, BP7

Labcorp Genetics (formerly Invitae), Labcorp
Classification: Likely benign. Last evaluated: 2019-12-31. Review status: criteria provided, single submitter. Criteria: Invitae Variant Classification Sherloc (09022015). Collection method: clinical testing. Allele origin: germline.

Breakthrough Genomics
Classification: Likely benign. Review status: criteria provided, single submitter. Criteria: ACMG Guidelines, 2015. Collection method: not provided. Allele origin: germline. Inheritance: Autosomal recessive inheritance. Affected: yes.

NM_014687.4(RUBCN):c.2751G>A (p.Ala917=)

Gene: RUBCN (rubicon autophagy regulator; minus strand). Cytogenetic location: 3q29.
Variant type: single nucleotide variant.
Coding change: c.2751G>A on transcript NM_014687.4 (MANE Select); coding-DNA position 2751, G replaced by A.
Protein change: p.Ala917=; no amino-acid change (alanine 917 retained).
Molecular consequence: synonymous variant.
Genome position (GRCh38, 1-based): chr3:197,675,186, C>T on the plus strand (G>A on the coding strand, the complement: RUBCN is on the minus strand). VCF-style: chr3-197675186-C-T. GRCh37 (hg19) VCF-style: chr3-197402057-C-T.
Other names: c.2616G>A, p.Ala872= (NM_001145642.5); c.2868G>A, p.Ala956= (NM_001346873.2).
Identifiers: ClinVar variation 708889 (VCV000708889.37), dbSNP rs200116207, ClinGen allele CA2786430.